The following is an entry in ClinVar:

ClinVar aggregate classification (germline): Uncertain significance (1 of 4 stars; one submission).

Submission:

Labcorp Genetics (formerly Invitae), Labcorp
Classification: Uncertain significance. Last evaluated: 2022-08-16. Review status: criteria provided, single submitter. Criteria: Invitae Variant Classification Sherloc (09022015). Collection method: clinical testing. Allele origin: germline.
Comment: This sequence change replaces isoleucine, which is neutral and non-polar, with valine, which is neutral and non-polar, at codon 850 of the ERCC6 protein (p.Ile850Val). This variant is not present in population databases (gnomAD no frequency). This variant has not been reported in the literature in individuals affected with ERCC6-related conditions. Algorithms developed to predict the effect of missense changes on protein structure and function are either unavailable or do not agree on the potential impact of this missense change (SIFT: "Deleterious"; PolyPhen-2: "Benign"; Align-GVGD: "Class C25"). Algorithms developed to predict the effect of sequence changes on RNA splicing suggest that this variant may create or strengthen a splice site. In summary, the available evidence is currently insufficient to determine the role of this variant in disease. Therefore, it has been classified as a Variant of Uncertain Significance.

NM_000124.4(ERCC6):c.2548A>G (p.Ile850Val)

Gene: ERCC6 (ERCC excision repair 6, chromatin remodeling factor; minus strand). Cytogenetic location: 10q11.23.
Variant type: single nucleotide variant.
Coding change: c.2548A>G on transcript NM_000124.4 (MANE Select); coding-DNA position 2548, A replaced by G.
Protein change: p.Ile850Val; replaces isoleucine 850 with valine.
Molecular consequence: missense variant.
Genome position (GRCh38, 1-based): chr10:49,474,077, T>C on the plus strand (A>G on the coding strand, the complement: ERCC6 is on the minus strand). VCF-style: chr10-49474077-T-C. GRCh37 (hg19) VCF-style: chr10-50682123-T-C.
Other names: c.2548A>G, p.Ile850Val (NM_001346440.2); short protein forms I850V.
Identifiers: ClinVar variation 1975965 (VCV001975965.5), dbSNP rs2495984641, ClinGen allele CA376721335.